The following is an entry in ClinVar:

NC_000011.10:g.118883644C>A

Gene: CXCR5 (C-X-C motif chemokine receptor 5; plus strand). Cytogenetic location: 11q23.3.
Variant type: single nucleotide variant.
Genome position: GRCh38 VCF-style: chr11-118883644-C-A. GRCh37 (hg19) VCF-style: chr11-118754353-C-A.
Identifiers: ClinVar variation 1259198 (VCV001259198.4), dbSNP rs630923, ClinGen allele CA13493564.

ClinVar aggregate classification (germline): Benign. Review status: criteria provided, multiple submitters, no conflicts (2 of 4 stars). 2 submissions from 2 submitters: Benign (2). Last evaluated 2021-02-24.

Allele frequency attached by ClinVar (database versions not stated): 1000 Genomes Project 30x 0.09588; 1000 Genomes Project 0.09665; TOPMed 0.12510; gnomAD 0.13121 and 0.13246; gnomAD exomes 0.13837.

Submissions (2):

GeneDx
Classification: Benign. Last evaluated: 2021-02-24. Review status: criteria provided, single submitter. Criteria: GeneDx Variant Classification Process June 2021. Collection method: clinical testing. Allele origin: germline. Affected: yes.
Comment: This variant is associated with the following publications: (PMID: 27909439)

Breakthrough Genomics
Classification: Benign. Review status: criteria provided, single submitter. Criteria: ACMG Guidelines, 2015. Collection method: not provided. Allele origin: germline. Inheritance: Unknown mechanism. Affected: yes.